The following is an entry in ClinVar:

NM_001122681.2(SH3BP2):c.614C>G (p.Pro205Arg)

Gene: SH3BP2 (SH3 domain binding protein 2; plus strand). Cytogenetic location: 4p16.3.
Variant type: single nucleotide variant.
Coding change: c.614C>G on transcript NM_001122681.2 (MANE Select); coding-DNA position 614, C replaced by G.
Protein change: p.Pro205Arg; replaces proline 205 with arginine.
Molecular consequence: missense variant.
Genome position (GRCh38, 1-based): chr4:2,829,520, C>G. VCF-style: chr4-2829520-C-G. GRCh37 (hg19) VCF-style: chr4-2831247-C-G.
Other names: c.698C>G, p.Pro233Arg (NM_001145855.2); c.785C>G, p.Pro262Arg (NM_001145856.2); c.614C>G, p.Pro205Arg (NM_003023.4); short protein forms P205R, P233R, P262R.
Identifiers: ClinVar variation 3649120 (VCV003649120.2).

ClinVar aggregate classification (germline): Uncertain significance (1 of 4 stars; one submission).

Conditions:
Fibrous dysplasia of jaw (CRBM). Also called: Cherubism. Identifiers: Orphanet 184, MedGen C0008029, MONDO:0007315, OMIM 118400.

gnomAD v4.1: 3 of 1,613,606 alleles (0.00019%); highest among the groups gnomAD compares: Non-Finnish European, 0.00025%; no homozygotes.

Submission:

Labcorp Genetics (formerly Invitae), Labcorp
Classification: Uncertain significance for Fibrous dysplasia of jaw. Last evaluated: 2024-04-08. Review status: criteria provided, single submitter. Criteria: Invitae Variant Classification Sherloc (09022015). Collection method: clinical testing. Allele origin: germline.
Comment: This sequence change replaces proline, which is neutral and non-polar, with arginine, which is basic and polar, at codon 205 of the SH3BP2 protein (p.Pro205Arg). This variant is not present in population databases (gnomAD no frequency). This variant has not been reported in the literature in individuals affected with SH3BP2-related conditions. Advanced modeling of protein sequence and biophysical properties (such as structural, functional, and spatial information, amino acid conservation, physicochemical variation, residue mobility, and thermodynamic stability) performed at Invitae indicates that this missense variant is not expected to disrupt SH3BP2 protein function with a negative predictive value of 80%. In summary, the available evidence is currently insufficient to determine the role of this variant in disease. Therefore, it has been classified as a Variant of Uncertain Significance.